The following is an entry in ClinVar:

ClinVar aggregate classification (germline): Benign/Likely benign. Review status: criteria provided, multiple submitters, no conflicts (2 of 4 stars). 2 submissions from 2 submitters: Benign (1); Likely benign (1). Last evaluated 2024-11-26.

Allele frequency attached by ClinVar (database versions not stated): TOPMed 0.08461; 1000 Genomes Project 30x 0.07651; 1000 Genomes Project 0.07748.
gnomAD v4.1: 13,103 of 152,294 alleles (8.6%); highest among the groups gnomAD compares: Middle Eastern, 14%; 616 homozygotes.

Submissions (2):

Blueprint Genetics
Classification: Likely benign. Last evaluated: 2024-11-26. Review status: criteria provided, single submitter. Criteria: ACMG Guidelines, 2015. Collection method: clinical testing. Allele origin: germline.

GeneDx
Classification: Benign. Last evaluated: 2016-11-25. Review status: criteria provided, single submitter. Criteria: GeneDx Variant Classification (06012015). Collection method: clinical testing. Allele origin: germline. Affected: yes.
Comment: This variant is considered likely benign or benign based on one or more of the following criteria: it is a conservative change, it occurs at a poorly conserved position in the protein, it is predicted to be benign by multiple in silico algorithms, and/or has population frequency not consistent with disease.

NM_001127511.3(APC):c.165+29214A>G

Gene: APC (APC regulator of Wnt signaling pathway; plus strand). Cytogenetic location: 5q22.2.
Variant type: single nucleotide variant.
Coding change: c.165+29214A>G on transcript NM_001127511.3; 29214 bases into the intron after coding-DNA position 165, A replaced by G.
Molecular consequence: intron variant.
Genome position (GRCh38, 1-based): chr5:112,737,096, A>G. VCF-style: chr5-112737096-A-G. GRCh37 (hg19) VCF-style: chr5-112072793-A-G.
Other names: c.-1053-17777A>G (NM_001407470.1, NM_001407472.1); c.-18-17777A>G (NM_001407447.1, NM_001354895.2, NM_001407456.1 and 7 more transcripts); c.165+29214A>G (NM_001407446.1, NM_001354897.2, NM_001354902.2); c.-42-29230A>G (NM_001407453.1).
Identifiers: ClinVar variation 386418 (VCV000386418.4), dbSNP rs2464810, ClinGen allele CA16604747.